The following is an entry in ClinVar:

ClinVar aggregate classification (germline): Uncertain significance (1 of 4 stars; one submission).

Conditions:
Lethal multiple pterygium syndrome (LMPS). Identifiers: Orphanet 33108, MedGen C1854678, MONDO:0009668, OMIM 253290.

Allele frequency attached by ClinVar (database versions not stated): TOPMed below 0.00001; gnomAD 0.00001.
gnomAD v4.1: 32 of 1,613,960 alleles (0.002%); highest among the groups gnomAD compares: Non-Finnish European, 0.0027%; 1 homozygote.

Submission:

Labcorp Genetics (formerly Invitae), Labcorp
Classification: Uncertain significance for Lethal multiple pterygium syndrome. Last evaluated: 2023-10-03. Review status: criteria provided, single submitter. Criteria: Invitae Variant Classification Sherloc (09022015). Collection method: clinical testing. Allele origin: germline.
Comment: This sequence change replaces aspartic acid, which is acidic and polar, with tyrosine, which is neutral and polar, at codon 186 of the CHRNA1 protein (p.Asp186Tyr). This variant is present in population databases (no rsID available, gnomAD 0.007%). This variant has not been reported in the literature in individuals affected with CHRNA1-related conditions. Advanced modeling of protein sequence and biophysical properties (such as structural, functional, and spatial information, amino acid conservation, physicochemical variation, residue mobility, and thermodynamic stability) performed at Invitae indicates that this missense variant is not expected to disrupt CHRNA1 protein function. In summary, the available evidence is currently insufficient to determine the role of this variant in disease. Therefore, it has been classified as a Variant of Uncertain Significance.

NM_000079.4(CHRNA1):c.556G>T (p.Asp186Tyr)

Gene: CHRNA1 (cholinergic receptor nicotinic alpha 1 subunit; minus strand). Cytogenetic location: 2q31.1.
Variant type: single nucleotide variant.
Coding change: c.556G>T on transcript NM_000079.4 (MANE Select); coding-DNA position 556, G replaced by T.
Protein change: p.Asp186Tyr; replaces aspartic acid 186 with tyrosine.
Molecular consequence: missense variant.
Genome position (GRCh38, 1-based): chr2:174,753,725, C>A on the plus strand (G>T on the coding strand, the complement: CHRNA1 is on the minus strand). VCF-style: chr2-174753725-C-A. GRCh37 (hg19) VCF-style: chr2-175618453-C-A.
Other names: c.631G>T, p.Asp211Tyr (NM_001039523.3); short protein forms D186Y, D211Y.
Identifiers: ClinVar variation 2886625 (VCV002886625.3), dbSNP rs1208838836, ClinGen allele CA349340494.